The following is an entry in ClinVar:

ClinVar aggregate classification (germline): Likely pathogenic (1 of 4 stars; one submission).

Conditions:
Deficiency of aromatic-L-amino-acid decarboxylase. Also called: Aromatic amino acid decarboxylase deficiency; AADC DEFICIENCY; DDC DEFICIENCY; DOPA DECARBOXYLASE DEFICIENCY; Aromatic L-Amino Acid Decarboxylase Deficiency. Identifiers: Orphanet 35708, MedGen C1291564, MONDO:0012084, OMIM 608643.

Allele frequency attached by ClinVar (database versions not stated): ExAC 0.00001; gnomAD exomes 0.00001; TOPMed 0.00001.
gnomAD v4.1: 8 of 1,613,792 alleles (0.0005%); highest among the groups gnomAD compares: Non-Finnish European, 0.00068%; no homozygotes.

Submission:

Labcorp Genetics (formerly Invitae), Labcorp
Classification: Likely pathogenic for Deficiency of aromatic-L-amino-acid decarboxylase. Last evaluated: 2022-08-20. Review status: criteria provided, single submitter. Criteria: Invitae Variant Classification Sherloc (09022015). Collection method: clinical testing. Allele origin: germline.
Comment: In summary, the currently available evidence indicates that the variant is pathogenic, but additional data are needed to prove that conclusively. Therefore, this variant has been classified as Likely Pathogenic. Algorithms developed to predict the effect of missense changes on protein structure and function are either unavailable or do not agree on the potential impact of this missense change (SIFT: "Deleterious"; PolyPhen-2: "Probably Damaging"; Align-GVGD: "Class C0"). This missense change has been observed in individual(s) with aromatic L-amino acid decarboxylase deficiency (PMID: 30952622, 31975548, 32409695, 33734312). In at least one individual the data is consistent with being in trans (on the opposite chromosome) from a pathogenic variant. This variant is present in population databases (rs200339845, gnomAD 0.0009%). This sequence change replaces cysteine, which is neutral and slightly polar, with serine, which is neutral and polar, at codon 100 of the DDC protein (p.Cys100Ser).

Literature cited by the submitters: PubMed 30952622; PubMed 31975548; PubMed 32409695; PubMed 33734312.

NM_001082971.2(DDC):c.299G>C (p.Cys100Ser)

Genes: DDC (dopa decarboxylase; minus strand), DDC-AS1 (DDC antisense RNA 1; plus strand). Cytogenetic location: 7p12.1.
Variant type: single nucleotide variant.
Coding change: c.299G>C on transcript NM_001082971.2 (MANE Select); coding-DNA position 299, G replaced by C.
Protein change: p.Cys100Ser; replaces cysteine 100 with serine.
Molecular consequence: missense variant. On other transcripts: non-coding transcript variant (1), intron variant (2).
Genome position (GRCh38, 1-based): chr7:50,539,931, C>G on the plus strand (G>C on the coding strand, the complement: DDC is on the minus strand). VCF-style: chr7-50539931-C-G. GRCh37 (hg19) VCF-style: chr7-50607629-C-G.
Other names: c.299G>C, p.Cys100Ser (NM_000790.4, NM_001242889.2, NM_001242890.2 and 1 more transcripts); c.201+3954G>C (NM_001242888.2); c.202-1952G>C (NM_001242886.2); short protein forms C100S.
Identifiers: ClinVar variation 1917800 (VCV001917800.5), dbSNP rs200339845, ClinGen allele CA4262425.